The following is an entry in ClinVar:

NM_001369.3(DNAH5):c.5745G>T (p.Glu1915Asp)

Gene: DNAH5 (dynein axonemal heavy chain 5; minus strand). Cytogenetic location: 5p15.2.
Variant type: single nucleotide variant.
Coding change: c.5745G>T on transcript NM_001369.3 (MANE Select); coding-DNA position 5745, G replaced by T.
Protein change: p.Glu1915Asp; replaces glutamic acid 1915 with aspartic acid.
Molecular consequence: missense variant.
Genome position (GRCh38, 1-based): chr5:13,839,493, C>A on the plus strand (G>T on the coding strand, the complement: DNAH5 is on the minus strand). VCF-style: chr5-13839493-C-A. GRCh37 (hg19) VCF-style: chr5-13839602-C-A.
Other names: c.5745G>T (NM_001369.2); short protein forms E1915D.
Identifiers: ClinVar variation 2180881 (VCV002180881.3), dbSNP rs775769384, ClinGen allele CA3203580.

ClinVar aggregate classification (germline): Uncertain significance. Review status: criteria provided, multiple submitters, no conflicts (2 of 4 stars). 2 submissions from 2 submitters: Uncertain significance (2). Last evaluated 2025-02-10.

Conditions:
Primary ciliary dyskinesia. Also called: Ciliary dyskinesia. Identifiers: Orphanet 244, MedGen C0008780, MONDO:0016575, HP:0012265.

Allele frequency attached by ClinVar (database versions not stated): TOPMed below 0.00001; ExAC 0.00001; gnomAD 0.00001; gnomAD exomes 0.00002.
gnomAD v4.1: 29 of 1,613,958 alleles (0.0018%); highest among the groups gnomAD compares: Non-Finnish European, 0.0025%; no homozygotes.

Submissions (2):

Labcorp Genetics (formerly Invitae), Labcorp
Classification: Uncertain significance for Primary ciliary dyskinesia. Last evaluated: 2025-02-10. Review status: criteria provided, single submitter. Criteria: Invitae Variant Classification Sherloc (09022015). Collection method: clinical testing. Allele origin: germline.
Comment: This sequence change replaces glutamic acid, which is acidic and polar, with aspartic acid, which is acidic and polar, at codon 1915 of the DNAH5 protein (p.Glu1915Asp). This variant is present in population databases (rs775769384, gnomAD 0.002%). This variant has not been reported in the literature in individuals affected with DNAH5-related conditions. ClinVar contains an entry for this variant (Variation ID: 2180881). Invitae Evidence Modeling of protein sequence and biophysical properties (such as structural, functional, and spatial information, amino acid conservation, physicochemical variation, residue mobility, and thermodynamic stability) indicates that this missense variant is not expected to disrupt DNAH5 protein function with a negative predictive value of 95%. In summary, the available evidence is currently insufficient to determine the role of this variant in disease. Therefore, it has been classified as a Variant of Uncertain Significance.

Ambry Genetics
Classification: Uncertain significance for Primary ciliary dyskinesia. Last evaluated: 2024-10-09. Review status: criteria provided, single submitter. Criteria: Ambry Variant Classification Scheme 2023. Collection method: clinical testing. Allele origin: germline.